The following is an entry in ClinVar:

ClinVar aggregate classification (germline): Uncertain significance. Review status: criteria provided, multiple submitters, no conflicts (2 of 4 stars). 3 submissions from 3 submitters: Uncertain significance (3). Last evaluated 2025-11-08.

Conditions:
Metaphyseal chondrodysplasia, Jansen type. Also called: PTH1R-Related Jansen Metaphyseal Chondrodysplasia; Metaphyseal chondrodysplasia Murk Jansen type. Identifiers: Orphanet 33067, MedGen C0265295, MONDO:0007982, OMIM 156400.
Eiken syndrome (EKNS). Also called: BONE MODELING DEFECT OF HANDS AND FEET. Identifiers: Orphanet 79106, MedGen C1838779, MONDO:0010803, OMIM 600002.
Primary failure of tooth eruption. Also called: DENTAL NONERUPTION; PRIMARY RETENTION OF TEETH; UNERUPTED SECOND PRIMARY MOLAR; POSTERIOR OPENBITE MALOCCLUSION, FAMILIAL. Identifiers: Orphanet 412206, MedGen C1852222, MONDO:0007434, OMIM 125350.
Chondrodysplasia Blomstrand type (BOCD). Identifiers: Orphanet 50945, MedGen C1859148, MONDO:0008970, OMIM 215045.
Inborn genetic diseases. Identifiers: MedGen C0950123, MeSH D030342.

Allele frequency attached by ClinVar (database versions not stated): ExAC 0.00001; gnomAD exomes 0.00001; gnomAD 0.00011; TOPMed 0.00025; 1000 Genomes Project 30x 0.00031; 1000 Genomes Project 0.00040.
gnomAD v4.1: 38 of 1,604,930 alleles (0.0024%); highest among the groups gnomAD compares: Admixed American, 0.048%; no homozygotes.

Submissions (3):

Labcorp Genetics (formerly Invitae), Labcorp
Classification: Uncertain significance. Last evaluated: 2025-11-08. Review status: criteria provided, single submitter. Criteria: Invitae Variant Classification Sherloc (09022015). Collection method: clinical testing. Allele origin: germline.
Comment: This sequence change replaces leucine, which is neutral and non-polar, with proline, which is neutral and non-polar, at codon 250 of the PTH1R protein (p.Leu250Pro). This variant is present in population databases (rs547682383, gnomAD 0.006%). This variant has not been reported in the literature in individuals affected with PTH1R-related conditions. ClinVar contains an entry for this variant (Variation ID: 1451055). Invitae Evidence Modeling of protein sequence and biophysical properties (such as structural, functional, and spatial information, amino acid conservation, physicochemical variation, residue mobility, and thermodynamic stability) indicates that this missense variant is not expected to disrupt PTH1R protein function with a negative predictive value of 80%. In summary, the available evidence is currently insufficient to determine the role of this variant in disease. Therefore, it has been classified as a Variant of Uncertain Significance.

Ambry Genetics
Classification: Uncertain significance for Inborn genetic diseases. Last evaluated: 2025-08-24. Review status: criteria provided, single submitter. Criteria: Ambry Variant Classification Scheme 2023. Collection method: clinical testing. Allele origin: germline.

Fulgent Genetics
Classification: Uncertain significance for Primary failure of tooth eruption; Metaphyseal chondrodysplasia, Jansen type; Chondrodysplasia Blomstrand type; Eiken syndrome. Last evaluated: 2024-01-21. Review status: criteria provided, single submitter. Criteria: ACMG Guidelines, 2015. Collection method: clinical testing. Allele origin: germline.

NM_000316.3(PTH1R):c.749T>C (p.Leu250Pro)

Gene: PTH1R (parathyroid hormone 1 receptor; plus strand). Cytogenetic location: 3p21.31.
Variant type: single nucleotide variant.
Coding change: c.749T>C on transcript NM_000316.3 (MANE Select); coding-DNA position 749, T replaced by C.
Protein change: p.Leu250Pro; replaces leucine 250 with proline.
Molecular consequence: missense variant.
Genome position (GRCh38, 1-based): chr3:46,898,772, T>C. VCF-style: chr3-46898772-T-C. GRCh37 (hg19) VCF-style: chr3-46940262-T-C.
Other names: c.749T>C (NM_000316.2); c.749T>C, p.Leu250Pro (NM_001184744.1); short protein forms L250P.
Identifiers: ClinVar variation 1451055 (VCV001451055.9), dbSNP rs547682383, ClinGen allele CA2359306.
Genomic context (GRCh38, chr3:46,898,772, plus strand): 5'-TCATGCTGCGCGCCGTGAGCATCTTCGTCAAGGACGCTGTGCTCTACTCTGGCGCCACGC[T>C]TGATGAGGCTGAGCGCCTCACCGAGGAGGAGCTGCGCGCCATCGCCCAGGCGCCCCCGCC-3'
Protein context (NP_000307.1, residues 240-260): KDAVLYSGAT[Leu250Pro]DEAERLTEEE